The following is an entry in ClinVar:

NM_005228.5(EGFR):c.29C>T (p.Ala10Val)

Gene: EGFR (epidermal growth factor receptor; plus strand). Cytogenetic location: 7p11.2.
Variant type: single nucleotide variant.
Coding change: c.29C>T on transcript NM_005228.5 (MANE Select); coding-DNA position 29, C replaced by T.
Protein change: p.Ala10Val; replaces alanine 10 with valine.
Molecular consequence: missense variant.
Genome position (GRCh38, 1-based): chr7:55,019,306, C>T. VCF-style: chr7-55019306-C-T. GRCh37 (hg19) VCF-style: chr7-55086999-C-T.
Other names: c.29C>T, p.Ala10Val (NM_001346897.2, NM_001346898.2, NM_001346899.2 and 4 more transcripts); short protein forms A10V.
Identifiers: ClinVar variation 4778160 (VCV004778160.1).

ClinVar aggregate classification (germline): Uncertain significance (1 of 4 stars; one submission).

Conditions:
EGFR-related lung cancer (EGFR). Identifiers: MedGen CN130014.

gnomAD v4.1: 4 of 1,516,798 alleles (0.00026%); highest among the groups gnomAD compares: East Asian, 0.0083%; no homozygotes.

Submission:

Labcorp Genetics (formerly Invitae), Labcorp
Classification: Uncertain significance for EGFR-related lung cancer. Last evaluated: 2025-04-01. Review status: criteria provided, single submitter. Criteria: Invitae Variant Classification Sherloc (09022015). Collection method: clinical testing. Allele origin: germline.
Comment: This sequence change replaces alanine, which is neutral and non-polar, with valine, which is neutral and non-polar, at codon 10 of the EGFR protein (p.Ala10Val). This variant is not present in population databases (gnomAD no frequency). This variant has not been reported in the literature in individuals affected with EGFR-related conditions. An algorithm developed to predict the effect of missense changes on protein structure and function outputs the following: PolyPhen-2: "Benign". The valine amino acid residue is found in multiple mammalian species, which suggests that this missense change does not adversely affect protein function. In summary, the available evidence is currently insufficient to determine the role of this variant in disease. Therefore, it has been classified as a Variant of Uncertain Significance.